The following is an entry in ClinVar:

NM_015978.3(TNNI3K):c.2018C>T (p.Ala673Val)

Genes: FPGT-TNNI3K (FPGT-TNNI3K readthrough; plus strand), TNNI3K (TNNI3 interacting kinase; plus strand). Cytogenetic location: 1p31.1.
Variant type: single nucleotide variant.
Coding change: c.2018C>T on transcript NM_015978.3 (MANE Select); coding-DNA position 2018, C replaced by T.
Protein change: p.Ala673Val; replaces alanine 673 with valine.
Molecular consequence: missense variant.
Genome position (GRCh38, 1-based): chr1:74,463,447, C>T. VCF-style: chr1-74463447-C-T. GRCh37 (hg19) VCF-style: chr1-74929131-C-T.
Other names: c.2321C>T, p.Ala774Val (NM_001112808.3, NM_001199327.2); short protein forms A673V, A774V.
Identifiers: ClinVar variation 1479449 (VCV001479449.6), dbSNP rs140963906, ClinGen allele CA909568.

ClinVar aggregate classification (germline): Uncertain significance (1 of 4 stars; one submission).

Allele frequency attached by ClinVar (database versions not stated): 1000 Genomes Project 30x 0.00016.
gnomAD v4.1: 20 of 1,614,008 alleles (0.0012%); highest among the groups gnomAD compares: African/African-American, 0.008%; no homozygotes.

Submission:

Labcorp Genetics (formerly Invitae), Labcorp
Classification: Uncertain significance. Last evaluated: 2025-11-28. Review status: criteria provided, single submitter. Criteria: Invitae Variant Classification Sherloc (09022015). Collection method: clinical testing. Allele origin: germline.
Comment: This sequence change replaces alanine, which is neutral and non-polar, with valine, which is neutral and non-polar, at codon 673 of the TNNI3K protein (p.Ala673Val). This variant is present in population databases (rs140963906, gnomAD 0.01%). This variant has not been reported in the literature in individuals affected with TNNI3K-related conditions. ClinVar contains an entry for this variant (Variation ID: 1479449). An algorithm developed to predict the effect of missense changes on protein structure and function (PolyPhen-2) suggests that this variant is likely to be disruptive. In summary, the available evidence is currently insufficient to determine the role of this variant in disease. Therefore, it has been classified as a Variant of Uncertain Significance.